The following is an entry in ClinVar:

ClinVar aggregate classification (germline): Uncertain significance (1 of 4 stars; one submission).

Conditions:
Pitt-Hopkins syndrome (PTHS). Also called: ENCEPHALOPATHY, SEVERE EPILEPTIC, WITH AUTONOMIC DYSFUNCTION; MENTAL RETARDATION, SYNDROMAL, WITH INTERMITTENT HYPERVENTILATION. Identifiers: Orphanet 2896, MedGen C1970431, MONDO:0012589, OMIM 610954.

Submission:

Labcorp Genetics (formerly Invitae), Labcorp
Classification: Uncertain significance for Pitt-Hopkins syndrome. Last evaluated: 2020-10-01. Review status: criteria provided, single submitter. Criteria: Invitae Variant Classification Sherloc (09022015). Collection method: clinical testing. Allele origin: germline.
Comment: In summary, the available evidence is currently insufficient to determine the role of this variant in disease. Therefore, it has been classified as a Variant of Uncertain Significance. This variant has not been reported in the literature in individuals with TCF4-related conditions. This variant results in a copy number gain of the genomic region encompassing the full coding sequence of the TCF4 gene. The boundaries of this event are unknown as they extend beyond the assayed region for this gene and therefore may encompass additional genes. As the precise location of this event is unknown, it may be in tandem or it may be located elsewhere in the genome.

NC_000018.9:g.(?_52895436)_(53303148_?)dup

Genes: MIR4529 (microRNA 4529; plus strand), TCF4 (transcription factor 4; minus strand), TCF4-AS1 (TCF4 antisense RNA 1; plus strand), LOC109609705 (transcription factor 4 repeat instability region; plus strand), LOC110120867 (VISTA enhancer hs376; plus strand) and 13 more. Cytogenetic location: 18q21.2.
Variant type: Duplication.
Identifiers: ClinVar variation 663412 (VCV000663412.7).